The following is an entry in ClinVar:

NM_000046.5(ARSB):c.1507C>T (p.Gln503Ter)

Gene: ARSB (arylsulfatase B; minus strand). Cytogenetic location: 5q14.1.
Variant type: single nucleotide variant.
Coding change: c.1507C>T on transcript NM_000046.5 (MANE Select); coding-DNA position 1507, C replaced by T.
Protein change: p.Gln503Ter; replaces glutamine 503 with a stop codon.
Molecular consequence: nonsense.
Genome position (GRCh38, 1-based): chr5:78,780,492, G>A on the plus strand (C>T on the coding strand, the complement: ARSB is on the minus strand). VCF-style: chr5-78780492-G-A. GRCh37 (hg19) VCF-style: chr5-78076315-G-A.
Other names: short protein forms Q503*.
Identifiers: ClinVar variation 559719 (VCV000559719.11), dbSNP rs771113472, ClinGen allele CA3317971.

ClinVar aggregate classification (germline): Pathogenic/Likely pathogenic. Review status: criteria provided, multiple submitters, no conflicts (2 of 4 stars). 5 submissions from 5 submitters: Pathogenic (3); Likely pathogenic (2). Last evaluated 2024-04-19.

Conditions:
Mucopolysaccharidosis type 6 (MPS6). Also called: MPS VI; ARSB DEFICIENCY; ARYLSULFATASE B DEFICIENCY; MPS 6; Maroteaux Lamy syndrome; N-ACETYLGALACTOSAMINE-4-SULFATASE DEFICIENCY. Identifiers: Orphanet 583, MedGen C0026709, MONDO:0009661, OMIM 253200.

Allele frequency attached by ClinVar (database versions not stated): gnomAD exomes below 0.00001; ExAC 0.00001.
gnomAD v4.1: 1 of 1,614,192 alleles (0.000062%); highest among the groups gnomAD compares: Non-Finnish European, 0.000085%; no homozygotes.

Submissions (5):

Department of Human Genetics, Hannover Medical School
Classification: Likely pathogenic for Mucopolysaccharidosis type 6. Last evaluated: 2024-04-19. Review status: criteria provided, single submitter. Criteria: ACMG Guidelines, 2015. Collection method: clinical testing. Allele origin: germline. Affected: yes.

Baylor Genetics
Classification: Pathogenic for Mucopolysaccharidosis type 6. Last evaluated: 2024-03-14. Review status: criteria provided, single submitter. Criteria: ACMG Guidelines, 2015. Collection method: clinical testing. Allele origin: unknown.

Women's Health and Genetics/Laboratory Corporation of America, LabCorp
Classification: Pathogenic for Mucopolysaccharidosis type 6. Last evaluated: 2023-08-14. Review status: criteria provided, single submitter. Criteria: LabCorp Variant Classification Summary - May 2015. Collection method: clinical testing. Allele origin: germline.
Comment: Variant summary: ARSB c.1507C>T (p.Gln503X) results in a premature termination codon in the last exon, which is not expected to result in nonsense mediated decay (NMD), but is predicted to cause a truncation of the encoded protein, removing 31 amino acids. Truncations downstream of this position have been reported in affected individuals (HGMD), and been classified as pathogenic by our laboratory, and others in ClinVar. The variant allele was found at a frequency of 4e-06 in 251464 control chromosomes (gnomAD). The variant, c.1507C>T, has been reported in the literature in at least one apparently homozygous individual affected with Mucopolysaccharidosis Type VI (Maroteaux-Lamy Syndrome) of intermediate severity (Villani_1999). At least one publication reported greatly decreased enzyme activity, together with high levels of ARSB mRNA in patient derived fibroblast, indicating the lack of NMD (Bartolomeo_2012). The following publications have been ascertained in the context of this evaluation (PMID: 22971959, 26287674, 30118150, 10036316). Two other submitters have cited clinical-significance assessments for this variant to ClinVar after 2014. All submitters classified the variant as pathogenic/likely pathogenic. Based on the evidence outlined above, the variant was classified as pathogenic.

Labcorp Genetics (formerly Invitae), Labcorp
Classification: Pathogenic for Mucopolysaccharidosis type 6. Last evaluated: 2023-07-16. Review status: criteria provided, single submitter. Criteria: Invitae Variant Classification Sherloc (09022015). Collection method: clinical testing. Allele origin: germline.
Comment: ClinVar contains an entry for this variant (Variation ID: 559719). For these reasons, this variant has been classified as Pathogenic. This variant disrupts a region of the ARSB protein in which other variant(s) (p.Tyr513*) have been determined to be pathogenic (PMID: 10923267, 26909334). This suggests that this is a clinically significant region of the protein, and that variants that disrupt it are likely to be disease-causing. This premature translational stop signal has been observed in individual(s) with mucopolysaccharidosis type VI (PMID: 10036316). This variant is present in population databases (rs771113472, gnomAD 0.0009%). This sequence change creates a premature translational stop signal (p.Gln503*) in the ARSB gene. While this is not anticipated to result in nonsense mediated decay, it is expected to disrupt the last 31 amino acid(s) of the ARSB protein.

Laboratory of Diagnosis and Therapy of Lysosomal Disorders, University of Padova
Classification: Likely pathogenic for Mucopolysaccharidosis type 6. Last evaluated: 2018-01-01. Review status: criteria provided, single submitter. Criteria: ACMG Guidelines, 2015. Collection method: curation. Allele origin: germline. Affected: yes.
Comment: Nonsense variant (PVS1); Very low frequency in ExAC (PM2)

Literature cited by the submitters: PubMed 26287674 (cited by Women's Health and Genetics/Laboratory Corporation of America, LabCorp); PubMed 10036316 (cited by 3 submitters); PubMed 30118150 (cited by Women's Health and Genetics/Laboratory Corporation of America, LabCorp and Laboratory of Diagnosis and Therapy of Lysosomal Disorders, University of Padova); PubMed 22971959 (cited by Women's Health and Genetics/Laboratory Corporation of America, LabCorp); PubMed 10923267 (cited by Labcorp Genetics (formerly Invitae), Labcorp); PubMed 26909334 (cited by Labcorp Genetics (formerly Invitae), Labcorp).